The following is an entry in ClinVar:

ClinVar aggregate classification (germline): Uncertain significance (1 of 4 stars; one submission).

Conditions:
Charcot-Marie-Tooth disease axonal type 2O. Also called: CHARCOT-MARIE-TOOTH NEUROPATHY, AXONAL, TYPE 2O; CHARCOT-MARIE-TOOTH DISEASE, AXONAL, AUTOSOMAL DOMINANT, TYPE 2O; Charcot-Marie-Tooth Neuropathy Type 2O; Charcot-Marie-Tooth disease, axonal, type 20. Identifiers: Orphanet 284232, MedGen C3280220, MONDO:0013644, OMIM 614228.

Submission:

Labcorp Genetics (formerly Invitae), Labcorp
Classification: Uncertain significance for Charcot-Marie-Tooth disease axonal type 2O. Last evaluated: 2023-10-03. Review status: criteria provided, single submitter. Criteria: Invitae Variant Classification Sherloc (09022015). Collection method: clinical testing. Allele origin: germline.
Comment: This sequence change replaces valine, which is neutral and non-polar, with alanine, which is neutral and non-polar, at codon 74 of the DYNC1H1 protein (p.Val74Ala). This variant is not present in population databases (gnomAD no frequency). This variant has not been reported in the literature in individuals affected with DYNC1H1-related conditions. Advanced modeling of protein sequence and biophysical properties (such as structural, functional, and spatial information, amino acid conservation, physicochemical variation, residue mobility, and thermodynamic stability) performed at Invitae indicates that this missense variant is not expected to disrupt DYNC1H1 protein function. In summary, the available evidence is currently insufficient to determine the role of this variant in disease. Therefore, it has been classified as a Variant of Uncertain Significance.

NM_001376.5(DYNC1H1):c.221T>C (p.Val74Ala)

Gene: DYNC1H1 (dynein cytoplasmic 1 heavy chain 1; plus strand). Cytogenetic location: 14q32.31.
Variant type: single nucleotide variant.
Coding change: c.221T>C on transcript NM_001376.5 (MANE Select); coding-DNA position 221, T replaced by C.
Protein change: p.Val74Ala; replaces valine 74 with alanine.
Molecular consequence: missense variant.
Genome position (GRCh38, 1-based): chr14:101,964,912, T>C. VCF-style: chr14-101964912-T-C. GRCh37 (hg19) VCF-style: chr14-102431249-T-C.
Other names: short protein forms V74A.
Identifiers: ClinVar variation 2749116 (VCV002749116.3), dbSNP rs1471786642, ClinGen allele CA391003768.